The following is an entry in ClinVar:

ClinVar aggregate classification (germline): Uncertain significance (1 of 4 stars; one submission).

Allele frequency attached by ClinVar (database versions not stated): gnomAD exomes below 0.00001; ExAC 0.00001; TOPMed 0.00001.
gnomAD v4.1: 1 of 1,581,676 alleles (0.000063%); highest among the groups gnomAD compares: Non-Finnish European, 0.000085%; no homozygotes.

Submission:

Labcorp Genetics (formerly Invitae), Labcorp
Classification: Uncertain significance. Last evaluated: 2022-03-29. Review status: criteria provided, single submitter. Criteria: Invitae Variant Classification Sherloc (09022015). Collection method: clinical testing. Allele origin: germline.
Comment: Algorithms developed to predict the effect of missense changes on protein structure and function (SIFT, PolyPhen-2, Align-GVGD) all suggest that this variant is likely to be disruptive. In summary, the available evidence is currently insufficient to determine the role of this variant in disease. Therefore, it has been classified as a Variant of Uncertain Significance. Algorithms developed to predict the effect of sequence changes on RNA splicing suggest that this variant may disrupt the consensus splice site. This variant has not been reported in the literature in individuals affected with MPDZ-related conditions. The frequency data for this variant in the population databases is considered unreliable, as metrics indicate poor data quality at this position in the gnomAD database. This sequence change replaces aspartic acid, which is acidic and polar, with glycine, which is neutral and non-polar, at codon 432 of the MPDZ protein (p.Asp432Gly).

NM_001378778.1(MPDZ):c.1295A>G (p.Asp432Gly)

Gene: MPDZ (multiple PDZ domain crumbs cell polarity complex component; minus strand). Cytogenetic location: 9p23.
Variant type: single nucleotide variant.
Coding change: c.1295A>G on transcript NM_001378778.1 (MANE Select); coding-DNA position 1295, A replaced by G.
Protein change: p.Asp432Gly; replaces aspartic acid 432 with glycine.
Molecular consequence: missense variant.
Genome position (GRCh38, 1-based): chr9:13,206,095, T>C on the plus strand (A>G on the coding strand, the complement: MPDZ is on the minus strand). VCF-style: chr9-13206095-T-C. GRCh37 (hg19) VCF-style: chr9-13206094-T-C.
Other names: c.1295A>G, p.Asp432Gly (NM_001261406.2, NM_001261407.2, NM_001330637.2 and 14 more transcripts); short protein forms D432G.
Identifiers: ClinVar variation 2119562 (VCV002119562.4), dbSNP rs776729444, ClinGen allele CA4987811.